The following is an entry in ClinVar:

NM_004415.4(DSP):c.2510A>C (p.Gln837Pro)

Gene: DSP (desmoplakin; plus strand). Cytogenetic location: 6p24.3.
Variant type: single nucleotide variant.
Coding change: c.2510A>C on transcript NM_004415.4 (MANE Select); coding-DNA position 2510, A replaced by C.
Protein change: p.Gln837Pro; replaces glutamine 837 with proline.
Molecular consequence: missense variant.
Genome position (GRCh38, 1-based): chr6:7,575,368, A>C. VCF-style: chr6-7575368-A-C. GRCh37 (hg19) VCF-style: chr6-7575601-A-C.
Other names: c.2510A>C, p.Gln837Pro (NM_001008844.3, NM_001319034.2); short protein forms Q837P.
Identifiers: ClinVar variation 1385671 (VCV001385671.7), dbSNP rs1202933658, ClinGen allele CA362681500.

ClinVar aggregate classification (germline): Uncertain significance. Review status: criteria provided, multiple submitters, no conflicts (2 of 4 stars). 2 submissions from 2 submitters: Uncertain significance (2). Last evaluated 2023-06-26.

Conditions:
Arrhythmogenic cardiomyopathy with wooly hair and keratoderma. Also called: Dilated cardiomyopathy with woolly hair and keratoderma; Arrhythmogenic cardiomyopathy with woolly hair and keratoderma; PALMOPLANTAR KERATODERMA WITH LEFT VENTRICULAR CARDIOMYOPATHY AND WOOLLY HAIR; Carvajal syndrome. Identifiers: Orphanet 65282, MedGen C1854063, MONDO:0011581, OMIM 605676.
Arrhythmogenic right ventricular dysplasia 8 (ARVD8). Also called: ARRHYTHMOGENIC RIGHT VENTRICULAR DYSPLASIA, FAMILIAL, 8; Arrhythmogenic Right Ventricular Dysplasia/Cardiomyopathy 8; ARRHYTHMOGENIC RIGHT VENTRICULAR CARDIOMYOPATHY 8. Identifiers: MedGen C1843896, MONDO:0011831, OMIM 607450.

Allele frequency attached by ClinVar (database versions not stated): gnomAD exomes below 0.00001 and 0.00001; gnomAD 0.00001.

Submissions (2):

All of Us Research Program, National Institutes of Health
Classification: Uncertain significance for Arrhythmogenic cardiomyopathy with wooly hair and keratoderma. Last evaluated: 2023-06-26. Review status: criteria provided, single submitter. Criteria: ACMG Guidelines, 2015. Collection method: clinical testing. Allele origin: germline. Inheritance: Autosomal dominant inheritance. Observed: 1 variant allele, 1 heterozygote.
Comment: This missense variant replaces glutamine with proline at codon 837 of the DSP protein. Computational prediction suggests that this variant may not impact protein structure and function (internally defined REVEL score threshold <= 0.5, PMID: 27666373). To our knowledge, functional studies have not been reported for this variant. This variant has not been reported in individuals affected with DSP-related disorders in the literature. This variant has been identified in 2/282850 chromosomes in the general population by the Genome Aggregation Database (gnomAD). The available evidence is insufficient to determine the role of this variant in disease conclusively. Therefore, this variant is classified as a Variant of Uncertain Significance.

This study involves interpretation of variants in research participants for the purpose of population health screening. Participant phenotype was not available at the time of variant classification. Additional details can be found in publication PMID: 35346344, PMCID: PMC8962531

Labcorp Genetics (formerly Invitae), Labcorp
Classification: Uncertain significance for Arrhythmogenic cardiomyopathy with wooly hair and keratoderma; Arrhythmogenic right ventricular dysplasia 8. Last evaluated: 2021-09-03. Review status: criteria provided, single submitter. Criteria: Invitae Variant Classification Sherloc (09022015). Collection method: clinical testing. Allele origin: germline.
Comment: In summary, the available evidence is currently insufficient to determine the role of this variant in disease. Therefore, it has been classified as a Variant of Uncertain Significance. This sequence change replaces glutamine with proline at codon 837 of the DSP protein (p.Gln837Pro). The glutamine residue is highly conserved and there is a moderate physicochemical difference between glutamine and proline. This variant is not present in population databases (ExAC no frequency). This variant has not been reported in the literature in individuals affected with DSP-related conditions. Algorithms developed to predict the effect of missense changes on protein structure and function are either unavailable or do not agree on the potential impact of this missense change (SIFT: "Deleterious"; PolyPhen-2: "Probably Damaging"; Align-GVGD: "Class C15").